The following is an entry in ClinVar:

NM_005228.5(EGFR):c.739G>C (p.Asp247His)

Gene: EGFR (epidermal growth factor receptor; plus strand). Cytogenetic location: 7p11.2.
Variant type: single nucleotide variant.
Coding change: c.739G>C on transcript NM_005228.5 (MANE Select); coding-DNA position 739, G replaced by C.
Protein change: p.Asp247His; replaces aspartic acid 247 with histidine.
Molecular consequence: missense variant. On other transcripts: intron variant (1).
Genome position (GRCh38, 1-based): chr7:55,152,656, G>C. VCF-style: chr7-55152656-G-C. GRCh37 (hg19) VCF-style: chr7-55220349-G-C.
Other names: c.604G>C, p.Asp202His (NM_001346897.2, NM_001346899.2); c.739G>C, p.Asp247His (NM_001346898.2, NM_201282.2, NM_201283.2 and 1 more transcripts); c.580G>C, p.Asp194His (NM_001346900.2); c.89-3174G>C (NM_001346941.2); short protein forms D194H, D202H, D247H.
Identifiers: ClinVar variation 1058753 (VCV001058753.9), dbSNP rs780001754, ClinGen allele CA4265327.
Genomic context (GRCh38, chr7:55,152,656, plus strand): 5'-TCCCCCAGTGACTGCTGCCACAACCAGTGTGCTGCAGGCTGCACAGGCCCCCGGGAGAGC[G>C]ACTGCCTGGTAAGATGCCCCTCCAGCAGCCTCCCTGGAGCAGGCTGGGGCTGCACCCGCC-3'
Protein context (NP_005219.2, residues 237-257): AAGCTGPRES[Asp247His]CLVCRKFRDE

ClinVar aggregate classification (germline): Uncertain significance (1 of 4 stars; one submission).

Conditions:
EGFR-related lung cancer (EGFR). Identifiers: MedGen CN130014.

gnomAD v4.1: 6 of 1,613,412 alleles (0.00037%); highest among the groups gnomAD compares: East Asian, 0.013%; no homozygotes.

Submission:

Labcorp Genetics (formerly Invitae), Labcorp
Classification: Uncertain significance for EGFR-related lung cancer. Last evaluated: 2025-10-31. Review status: criteria provided, single submitter. Criteria: Invitae Variant Classification Sherloc (09022015). Collection method: clinical testing. Allele origin: germline.
Comment: This sequence change replaces aspartic acid, which is acidic and polar, with histidine, which is basic and polar, at codon 247 of the EGFR protein (p.Asp247His). This variant is present in population databases (rs780001754, gnomAD 0.006%). This variant has not been reported in the literature in individuals affected with EGFR-related conditions. ClinVar contains an entry for this variant (Variation ID: 1058753). Invitae Evidence Modeling of protein sequence and biophysical properties (such as structural, functional, and spatial information, amino acid conservation, physicochemical variation, residue mobility, and thermodynamic stability) indicates that this missense variant is not expected to disrupt EGFR protein function with a negative predictive value of 80%. In summary, the available evidence is currently insufficient to determine the role of this variant in disease. Therefore, it has been classified as a Variant of Uncertain Significance.